The following is an entry in ClinVar:

ClinVar aggregate classification (germline): Likely benign (1 of 4 stars; one submission).

Conditions:
Neurofibromatosis, type 1 (NF1). Also called: VON RECKLINGHAUSEN DISEASE; NEUROFIBROMATOSIS, TYPE I, SOMATIC; Peripheral type neurofibromatosis; Neurofibromatosis, type I. Identifiers: Orphanet 636, MedGen C0027831, MONDO:0018975, OMIM 162200. Disease mechanism: loss of function.

Submission:

Myriad Genetics, Inc.
Classification: Likely benign for Neurofibromatosis, type 1. Last evaluated: 2026-05-12. Review status: criteria provided, single submitter. Criteria: Myriad Autosomal Dominant, Autosomal Recessive and X-Linked Classification Criteria (2023). Collection method: clinical testing. Allele origin: unknown.
Comment: This variant is considered likely benign. This variant is intronic and is not expected to impact mRNA splicing.

NM_001042492.3(NF1):c.3315-12T>C

Gene: NF1 (neurofibromin 1; plus strand). Cytogenetic location: 17q11.2.
Variant type: single nucleotide variant.
Coding change: c.3315-12T>C on transcript NM_001042492.3 (MANE Select); 12 bases into the intron before coding-DNA position 3315, T replaced by C.
Molecular consequence: intron variant.
Genome position (GRCh38, 1-based): chr17:31,232,688, T>C. VCF-style: chr17-31232688-T-C. GRCh37 (hg19) VCF-style: chr17-29559706-T-C.
Other names: c.3315-12T>C (NM_000267.4).
Identifiers: ClinVar variation 4876157 (VCV004876157.1).